The following is an entry in ClinVar:

ClinVar aggregate classification (germline): Pathogenic (1 of 4 stars; one submission).

Conditions:
Telangiectasia, hereditary hemorrhagic, type 2 (HHT2). Also called: ACVRL1-Related Hereditary Hemorrhagic Telangiectasia; Telangiectasia, hereditary hemorrhagic, type II. Identifiers: Orphanet 774, MedGen C1838163, MONDO:0010880, OMIM 600376. Disease mechanism: loss of function.

Submission:

Labcorp Genetics (formerly Invitae), Labcorp
Classification: Pathogenic for Telangiectasia, hereditary hemorrhagic, type 2. Last evaluated: 2021-05-04. Review status: criteria provided, single submitter. Criteria: Invitae Variant Classification Sherloc (09022015). Collection method: clinical testing. Allele origin: germline.
Comment: For these reasons, this variant has been classified as Pathogenic. This variant has not been reported in the literature in individuals with ACVRL1-related conditions. This variant is not present in population databases (ExAC no frequency). This sequence change creates a premature translational stop signal (p.Cys344*) in the ACVRL1 gene. It is expected to result in an absent or disrupted protein product. Loss-of-function variants in ACVRL1 are known to be pathogenic (PMID: 15879500).

Literature cited by the submitters: PubMed 15879500.

NM_000020.3(ACVRL1):c.1032T>A (p.Cys344Ter)

Gene: ACVRL1 (activin A receptor like type 1; plus strand). Cytogenetic location: 12q13.13.
Variant type: single nucleotide variant.
Coding change: c.1032T>A on transcript NM_000020.3 (MANE Select); coding-DNA position 1032, T replaced by A.
Protein change: p.Cys344Ter; replaces cysteine 344 with a stop codon.
Molecular consequence: nonsense.
Genome position (GRCh38, 1-based): chr12:51,915,484, T>A. VCF-style: chr12-51915484-T-A. GRCh37 (hg19) VCF-style: chr12-52309268-T-A.
Other names: c.1032T>A, p.Cys344Ter (NM_001077401.2); short protein forms C344*.
Identifiers: ClinVar variation 1452981 (VCV001452981.6), dbSNP rs368437392, ClinGen allele CA384901744.